The following is an entry in ClinVar:

ClinVar aggregate classification (germline): Likely benign (1 of 4 stars; one submission).

Allele frequency attached by ClinVar (database versions not stated): gnomAD 0.00003; ExAC 0.00008.
gnomAD v4.1: 177 of 1,613,916 alleles (0.011%); highest among the groups gnomAD compares: South Asian, 0.066%; 2 homozygotes.

Submission:

CeGaT Center for Human Genetics Tuebingen
Classification: Likely benign. Last evaluated: 2022-07-01. Review status: criteria provided, single submitter. Criteria: CeGaT Center For Human Genetics Tuebingen Variant Classification Criteria Version 2. Collection method: clinical testing. Allele origin: germline. Affected: yes. Observed: 1 variant allele.
Comment: CYP4A11: BP4, BP7

NM_000778.4(CYP4A11):c.120C>T (p.His40=)

Gene: CYP4A11 (cytochrome P450 family 4 subfamily A member 11; minus strand). Cytogenetic location: 1p33.
Variant type: single nucleotide variant.
Coding change: c.120C>T on transcript NM_000778.4 (MANE Select); coding-DNA position 120, C replaced by T.
Protein change: p.His40=; no amino-acid change (histidine 40 retained).
Molecular consequence: synonymous variant. On other transcripts: non-coding transcript variant (7).
Genome position (GRCh38, 1-based): chr1:46,941,314, G>A on the plus strand (C>T on the coding strand, the complement: CYP4A11 is on the minus strand). VCF-style: chr1-46941314-G-A. GRCh37 (hg19) VCF-style: chr1-47406986-G-A.
Other names: c.120C>T, p.His40= (NM_001319155.2, NM_001363587.2).
Identifiers: ClinVar variation 2638803 (VCV002638803.24), dbSNP rs761075285, ClinGen allele CA839829.